The following is an entry in ClinVar:

ClinVar aggregate classification (germline): Uncertain significance (1 of 4 stars; one submission).

Conditions:
Fibrous dysplasia of jaw (CRBM). Also called: Cherubism. Identifiers: Orphanet 184, MedGen C0008029, MONDO:0007315, OMIM 118400.

Submission:

Labcorp Genetics (formerly Invitae), Labcorp
Classification: Uncertain significance for Fibrous dysplasia of jaw. Last evaluated: 2020-08-03. Review status: criteria provided, single submitter. Criteria: Invitae Variant Classification Sherloc (09022015). Collection method: clinical testing. Allele origin: germline.
Comment: In summary, the available evidence is currently insufficient to determine the role of this variant in disease. Therefore, it has been classified as a Variant of Uncertain Significance. Algorithms developed to predict the effect of missense changes on protein structure and function are either unavailable or do not agree on the potential impact of this missense change (SIFT: "Deleterious"; PolyPhen-2: "Probably Damaging"; Align-GVGD: "Class C0"). This variant has not been reported in the literature in individuals with SH3BP2-related conditions. This variant is not present in population databases (ExAC no frequency). This sequence change replaces proline with arginine at codon 554 of the SH3BP2 protein (p.Pro554Arg). The proline residue is moderately conserved and there is a moderate physicochemical difference between proline and arginine.

NM_001122681.2(SH3BP2):c.1661C>G (p.Pro554Arg)

Gene: SH3BP2 (SH3 domain binding protein 2; plus strand). Cytogenetic location: 4p16.3.
Variant type: single nucleotide variant.
Coding change: c.1661C>G on transcript NM_001122681.2 (MANE Select); coding-DNA position 1661, C replaced by G.
Protein change: p.Pro554Arg; replaces proline 554 with arginine.
Molecular consequence: missense variant.
Genome position (GRCh38, 1-based): chr4:2,833,809, C>G. VCF-style: chr4-2833809-C-G. GRCh37 (hg19) VCF-style: chr4-2835536-C-G.
Other names: c.1745C>G, p.Pro582Arg (NM_001145855.2); c.1832C>G, p.Pro611Arg (NM_001145856.2); c.1661C>G, p.Pro554Arg (NM_003023.4); short protein forms P554R, P582R, P611R.
Identifiers: ClinVar variation 1019583 (VCV001019583.8), dbSNP rs1725134312, ClinGen allele CA356059908.
Genomic context (GRCh38, chr4:2,833,809, plus strand): 5'-TGGTGGAGCACTACCACACCCACGTGCTGCCCAGCCACCAGAGCCTGCTGCTGCGGCACC[C>G]CTACGGCTACACTGGGCCTAGGTGATGGCAGTCCATGTGGCTGCCAGGCCAAGGCAGTCA-3'
Protein context (NP_001116153.1, residues 544-561): PSHQSLLLRH[Pro554Arg]YGYTGPR